The following is an entry in ClinVar:

NM_004371.4(COPA):c.2149C>T (p.Arg717Cys)

Gene: COPA (coat protein complex I subunit alpha; minus strand). Cytogenetic location: 1q23.2.
Variant type: single nucleotide variant.
Coding change: c.2149C>T on transcript NM_004371.4 (MANE Select); coding-DNA position 2149, C replaced by T.
Protein change: p.Arg717Cys; replaces arginine 717 with cysteine.
Molecular consequence: missense variant.
Genome position (GRCh38, 1-based): chr1:160,297,574, G>A on the plus strand (C>T on the coding strand, the complement: COPA is on the minus strand). VCF-style: chr1-160297574-G-A. GRCh37 (hg19) VCF-style: chr1-160267364-G-A.
Other names: c.2176C>T, p.Arg726Cys (NM_001098398.2); short protein forms R717C, R726C.
Identifiers: ClinVar variation 839434 (VCV000839434.10), dbSNP rs555657245, ClinGen allele CA31536270.

ClinVar aggregate classification (germline): Uncertain significance. Review status: criteria provided, multiple submitters, no conflicts (2 of 4 stars). 2 submissions from 2 submitters: Uncertain significance (2). Last evaluated 2023-10-09.

Conditions:
Autoimmune interstitial lung disease-arthritis syndrome. Also called: Autoinflammation and autoimmunity, systemic, with immune dysregulation. Identifiers: Orphanet 444092, MedGen C5975714, MONDO:0014629.

Allele frequency attached by ClinVar (database versions not stated): gnomAD 0.00001; TOPMed 0.00002.

Submissions (2):

Labcorp Genetics (formerly Invitae), Labcorp
Classification: Uncertain significance for Autoimmune interstitial lung disease-arthritis syndrome. Last evaluated: 2023-10-09. Review status: criteria provided, single submitter. Criteria: Invitae Variant Classification Sherloc (09022015). Collection method: clinical testing. Allele origin: germline.
Comment: This sequence change replaces arginine, which is basic and polar, with cysteine, which is neutral and slightly polar, at codon 717 of the COPA protein (p.Arg717Cys). This variant is present in population databases (rs555657245, gnomAD 0.01%). This variant has not been reported in the literature in individuals affected with COPA-related conditions. ClinVar contains an entry for this variant (Variation ID: 839434). Advanced modeling of protein sequence and biophysical properties (such as structural, functional, and spatial information, amino acid conservation, physicochemical variation, residue mobility, and thermodynamic stability) performed at Invitae indicates that this missense variant is not expected to disrupt COPA protein function. In summary, the available evidence is currently insufficient to determine the role of this variant in disease. Therefore, it has been classified as a Variant of Uncertain Significance.

Breakthrough Genomics
Classification: Uncertain significance. Review status: criteria provided, single submitter. Criteria: ACMG Guidelines, 2015. Collection method: not provided. Allele origin: germline. Inheritance: Autosomal dominant inheritance. Affected: yes.